The following is an entry in ClinVar:

NM_001458.5(FLNC):c.5115C>A (p.Tyr1705Ter)

Gene: FLNC (filamin C; plus strand). Cytogenetic location: 7q32.1.
Variant type: single nucleotide variant.
Coding change: c.5115C>A on transcript NM_001458.5 (MANE Select); coding-DNA position 5115, C replaced by A.
Protein change: p.Tyr1705Ter; replaces tyrosine 1705 with a stop codon.
Molecular consequence: nonsense.
Genome position (GRCh38, 1-based): chr7:128,849,494, C>A. VCF-style: chr7-128849494-C-A. GRCh37 (hg19) VCF-style: chr7-128489548-C-A.
Other names: c.5115C>A, p.Tyr1705Ter (NM_001127487.2); short protein forms Y1705*.
Identifiers: ClinVar variation 4812754 (VCV004812754.1).

ClinVar aggregate classification (germline): Pathogenic (1 of 4 stars; one submission).

Conditions:
Hypertrophic cardiomyopathy 26. Also called: Cardiomyopathy, familial hypertrophic, 26. Identifiers: Orphanet 75249, MedGen C4310749, MONDO:0014883, OMIM 617047.
Myofibrillar myopathy 5. Also called: Filaminopathy (type); FILAMINOPATHY, AUTOSOMAL DOMINANT. Identifiers: Orphanet 171445, MedGen C1836050, MONDO:0012289, OMIM 609524.
Distal myopathy with posterior leg and anterior hand involvement. Also called: WILLIAMS DISTAL MYOPATHY. Identifiers: Orphanet 63273, MedGen C3279722, MONDO:0013550, OMIM 614065.

gnomAD v4.1: 1 of 1,614,226 alleles (0.000062%); highest among the groups gnomAD compares: Non-Finnish European, 0.000085%; no homozygotes.

Submission:

Labcorp Genetics (formerly Invitae), Labcorp
Classification: Pathogenic for Distal myopathy with posterior leg and anterior hand involvement; Myofibrillar myopathy 5; Hypertrophic cardiomyopathy 26. Last evaluated: 2025-05-22. Review status: criteria provided, single submitter. Criteria: Invitae Variant Classification Sherloc (09022015). Collection method: clinical testing. Allele origin: germline.
Comment: This sequence change creates a premature translational stop signal (p.Tyr1705*) in the FLNC gene. It is expected to result in an absent or disrupted protein product. Loss-of-function variants in FLNC are known to be pathogenic (PMID: 27908349). This variant is not present in population databases (gnomAD no frequency). This variant has not been reported in the literature in individuals affected with FLNC-related conditions. For these reasons, this variant has been classified as Pathogenic.

Literature cited by the submitters: PubMed 27908349.